The following is an entry in ClinVar:

ClinVar aggregate classification (germline): Uncertain significance. Review status: criteria provided, multiple submitters, no conflicts (2 of 4 stars). 2 submissions from 2 submitters: Uncertain significance (2). Last evaluated 2026-07-21.

Conditions:
Tuberous sclerosis 1 (TSC1). Identifiers: Orphanet 805, MedGen C1854465, MONDO:0008612, OMIM 191100.
Hereditary cancer-predisposing syndrome. Also called: Hereditary Cancer Syndrome; Hereditary neoplastic syndrome; Neoplastic Syndromes, Hereditary; Tumor predisposition. Identifiers: Orphanet 140162, MedGen C0027672, MeSH D009386, MONDO:0015356.

Submissions (2):

Ambry Genetics
Classification: Uncertain significance for Hereditary cancer-predisposing syndrome. Last evaluated: 2026-07-21. Review status: criteria provided, single submitter. Criteria: Ambry Variant Classification Scheme 2023. Collection method: clinical testing. Allele origin: germline.
Comment: The p.R715L variant (also known as c.2144G>T), located in coding exon 15 of the TSC1 gene, results from a G to T substitution at nucleotide position 2144. The arginine at codon 715 is replaced by leucine, an amino acid with dissimilar properties. This amino acid position is highly conserved in available vertebrate species. In addition, this alteration is predicted to be deleterious by in silico analysis. Based on the available evidence, the clinical significance of this variant remains unclear.

Labcorp Genetics (formerly Invitae), Labcorp
Classification: Uncertain significance for Tuberous sclerosis 1. Last evaluated: 2025-12-21. Review status: criteria provided, single submitter. Criteria: Invitae Variant Classification Sherloc (09022015). Collection method: clinical testing. Allele origin: germline.
Comment: This sequence change replaces arginine, which is basic and polar, with leucine, which is neutral and non-polar, at codon 715 of the TSC1 protein (p.Arg715Leu). This variant is not present in population databases (gnomAD no frequency). This variant has not been reported in the literature in individuals affected with TSC1-related conditions. ClinVar contains an entry for this variant (Variation ID: 2447881). Invitae Evidence Modeling of protein sequence and biophysical properties (such as structural, functional, and spatial information, amino acid conservation, physicochemical variation, residue mobility, and thermodynamic stability) indicates that this missense variant is not expected to disrupt TSC1 protein function with a negative predictive value of 95%. In summary, the available evidence is currently insufficient to determine the role of this variant in disease. Therefore, it has been classified as a Variant of Uncertain Significance.

NM_000368.5(TSC1):c.2144G>T (p.Arg715Leu)

Gene: TSC1 (TSC complex subunit 1; minus strand). Cytogenetic location: 9q34.13.
Variant type: single nucleotide variant.
Coding change: c.2144G>T on transcript NM_000368.5 (MANE Select); coding-DNA position 2144, G replaced by T.
Protein change: p.Arg715Leu; replaces arginine 715 with leucine.
Molecular consequence: missense variant. On other transcripts: non-coding transcript variant (4).
Genome position (GRCh38, 1-based): chr9:132,903,715, C>A on the plus strand (G>T on the coding strand, the complement: TSC1 is on the minus strand). VCF-style: chr9-132903715-C-A. GRCh37 (hg19) VCF-style: chr9-135779102-C-A.
Other names: c.2144G>T, p.Arg715Leu (NM_001406593.1, NM_001406594.1, NM_001406595.1 and 5 more transcripts); c.2141G>T, p.Arg714Leu (NM_001406597.1, NM_001406598.1, NM_001406599.1 and 4 more transcripts); c.2129G>T, p.Arg710Leu (NM_001406601.1, NM_001406602.1); c.1988G>T, p.Arg663Leu (NM_001406612.1, NM_001406613.1, NM_001406611.1); c.1781G>T, p.Arg594Leu (NM_001406614.1, NM_001406615.1, NM_001406616.1 and 5 more transcripts); c.1778G>T, p.Arg593Leu (NM_001406620.1, NM_001406621.1, NM_001406622.1 and 2 more transcripts); c.1991G>T, p.Arg664Leu (NM_001162427.2, NM_001406610.1); c.2126G>T, p.Arg709Leu (NM_001406603.1, NM_001406604.1); and 3 more; short protein forms R364L, R594L, R664L, R715L, R710L, R714L, R397L, R398L.
Identifiers: ClinVar variation 2447881 (VCV002447881.4), dbSNP rs986350787, ClinGen allele CA375360902.